The following is an entry in ClinVar:

NM_013275.6(ANKRD11):c.6224C>T (p.Ala2075Val)

Gene: ANKRD11 (ankyrin repeat domain 11; minus strand). Cytogenetic location: 16q24.3.
Variant type: single nucleotide variant.
Coding change: c.6224C>T on transcript NM_013275.6 (MANE Select); coding-DNA position 6224, C replaced by T.
Protein change: p.Ala2075Val; replaces alanine 2075 with valine.
Molecular consequence: missense variant.
Genome position (GRCh38, 1-based): chr16:89,280,318, G>A on the plus strand (C>T on the coding strand, the complement: ANKRD11 is on the minus strand). VCF-style: chr16-89280318-G-A. GRCh37 (hg19) VCF-style: chr16-89346726-G-A.
Other names: c.6224C>T, p.Ala2075Val (NM_001256182.2, NM_001256183.2); short protein forms A2075V.
Identifiers: ClinVar variation 2996395 (VCV002996395.4), dbSNP rs2034085077, ClinGen allele CA397151642.

ClinVar aggregate classification (germline): Uncertain significance. Review status: criteria provided, multiple submitters, no conflicts (2 of 4 stars). 2 submissions from 2 submitters: Uncertain significance (2). Last evaluated 2023-02-26.

Conditions:
KBG syndrome (KBGS). Also called: ANKRD11-Related KBG Syndrome. Identifiers: Orphanet 2332, MedGen C0220687, MONDO:0007846, OMIM 148050.

Allele frequency attached by ClinVar (database versions not stated): gnomAD exomes 0.00002.
gnomAD v4.1: 21 of 1,587,682 alleles (0.0013%); highest among the groups gnomAD compares: Non-Finnish European, 0.0018%; no homozygotes.

Submissions (2):

Labcorp Genetics (formerly Invitae), Labcorp
Classification: Uncertain significance for KBG syndrome. Last evaluated: 2023-02-26. Review status: criteria provided, single submitter. Criteria: Invitae Variant Classification Sherloc (09022015). Collection method: clinical testing. Allele origin: germline.
Comment: This variant has not been reported in the literature in individuals affected with ANKRD11-related conditions. This variant is not present in population databases (gnomAD no frequency). This sequence change replaces alanine, which is neutral and non-polar, with valine, which is neutral and non-polar, at codon 2075 of the ANKRD11 protein (p.Ala2075Val). In summary, the available evidence is currently insufficient to determine the role of this variant in disease. Therefore, it has been classified as a Variant of Uncertain Significance. Advanced modeling of protein sequence and biophysical properties (such as structural, functional, and spatial information, amino acid conservation, physicochemical variation, residue mobility, and thermodynamic stability) performed at Invitae indicates that this missense variant is not expected to disrupt ANKRD11 protein function.

Blueprint Genetics
Classification: Uncertain significance. Last evaluated: 2022-11-02. Review status: criteria provided, single submitter. Criteria: ACMG Guidelines, 2015. Collection method: clinical testing. Allele origin: germline.